The following is an entry in ClinVar:

ClinVar aggregate classification (germline): Uncertain significance (1 of 4 stars; one submission).

gnomAD v4.1: 10 of 1,614,060 alleles (0.00062%); highest among the groups gnomAD compares: Non-Finnish European, 0.00076%; no homozygotes.

Submission:

Labcorp Genetics (formerly Invitae), Labcorp
Classification: Uncertain significance. Last evaluated: 2025-03-11. Review status: criteria provided, single submitter. Criteria: Invitae Variant Classification Sherloc (09022015). Collection method: clinical testing. Allele origin: germline.
Comment: This sequence change replaces aspartic acid, which is acidic and polar, with asparagine, which is neutral and polar, at codon 577 of the ANKZF1 protein (p.Asp577Asn). This variant is present in population databases (rs760459753, gnomAD 0.002%). This variant has not been reported in the literature in individuals affected with ANKZF1-related conditions. An algorithm developed to predict the effect of missense changes on protein structure and function (PolyPhen-2) suggests that this variant is likely to be disruptive. In summary, the available evidence is currently insufficient to determine the role of this variant in disease. Therefore, it has been classified as a Variant of Uncertain Significance.

NM_018089.3(ANKZF1):c.1729G>A (p.Asp577Asn)

Gene: ANKZF1 (ankyrin repeat and zinc finger peptidyl tRNA hydrolase 1; plus strand). Cytogenetic location: 2q35.
Variant type: single nucleotide variant.
Coding change: c.1729G>A on transcript NM_018089.3 (MANE Select); coding-DNA position 1729, G replaced by A.
Protein change: p.Asp577Asn; replaces aspartic acid 577 with asparagine.
Molecular consequence: missense variant.
Genome position (GRCh38, 1-based): chr2:219,235,511, G>A. VCF-style: chr2-219235511-G-A. GRCh37 (hg19) VCF-style: chr2-220100233-G-A.
Other names: c.1729G>A, p.Asp577Asn (NM_001042410.2); c.1099G>A, p.Asp367Asn (NM_001282792.2); short protein forms D367N, D577N.
Identifiers: ClinVar variation 4691560 (VCV004691560.1).
Genomic context (GRCh38, chr2:219,235,511, plus strand): 5'-ATTTTTGGAGTTTTTGCACCTAGGGACTCTCGGGCCCGGCCACCTTATACTGTTGCGGCT[G>A]ACAAATCAACACGTAATGAGTTCCGAAGGTTCATGGAGAAGAATCCAGATGCCTACGATT-3'
Protein context (NP_060559.2, residues 567-587): RARPPYTVAA[Asp577Asn]KSTRNEFRRF